The following is an entry in ClinVar:

ClinVar aggregate classification (germline): Likely benign (0 of 4 stars; one submission).

Conditions:
SKIDA1-related disorder. Also called: SKIDA1-related condition.

Submission:

PreventionGenetics, part of Exact Sciences
Classification: Likely benign for SKIDA1-related condition. Last evaluated: 2019-12-17. Review status: no assertion criteria provided. Collection method: clinical testing. Allele origin: germline.
Comment: This variant is classified as likely benign based on ACMG/AMP sequence variant interpretation guidelines (Richards et al. 2015 PMID: 25741868, with internal and published modifications).

NM_207371.4(SKIDA1):c.1011CCA[6] (p.His351del)

Gene: SKIDA1 (SKI/DACH domain containing 1; minus strand). Cytogenetic location: 10p12.31.
Variant type: Microsatellite.
Coding change: c.1011CCA[6] on transcript NM_207371.4 (MANE Select); six copies in a row of the 3-base unit CCA starting at c.1011; the reference has seven copies in a row; one copy, 3 bases deleted.
Protein change: p.His351del; deletes histidine 351.
Genome position (GRCh38, 1-based): chr10:21,516,792-21,516,794, TGG deleted on the plus strand (CCA on the coding strand, the reverse complement: SKIDA1 is on the minus strand); deleting any 3 consecutive bases within chr10:21,516,792-21,516,814 gives the same sequence; the position shown is the placement nearest the transcript's 3' end. VCF-style (leftmost placement, unchanged base first): chr10-21516791-ATGG-A. GRCh37 (hg19) VCF-style: chr10-21805720-ATGG-A.
Other names: short protein forms H351del.
Identifiers: ClinVar variation 3060284 (VCV003060284.2), dbSNP rs749932127, ClinGen allele CA5434170.